The following is an entry in ClinVar:

NM_000212.3(ITGB3):c.506G>A (p.Arg169Gln)

Gene: ITGB3 (integrin subunit beta 3; plus strand). Cytogenetic location: 17q21.32.
Variant type: single nucleotide variant.
Coding change: c.506G>A on transcript NM_000212.3 (MANE Select); coding-DNA position 506, G replaced by A.
Protein change: p.Arg169Gln; replaces arginine 169 with glutamine.
Molecular consequence: missense variant.
Genome position (GRCh38, 1-based): chr17:47,284,587, G>A. VCF-style: chr17-47284587-G-A. GRCh37 (hg19) VCF-style: chr17-45361953-G-A.
Other names: R143Q; c.506G>A (NM_000212.2); short protein forms R169Q.
Identifiers: ClinVar variation 13557 (VCV000013557.22), dbSNP rs5917, ClinGen allele CA123232.

ClinVar aggregate classification (germline): Benign. Review status: reviewed by expert panel (3 of 4 stars). 7 submissions from 7 submitters: Benign (1). 6 of the submissions do not count toward it. Last evaluated 2019-08-07.

Conditions:
PEN(a)/PEN(b) ALLOANTIGEN POLYMORPHISM.
Glanzmann thrombasthenia. Also called: THROMBASTHENIA OF GLANZMANN AND NAEGELI; BLEEDING DISORDER, PLATELET-TYPE, 2; Thrombasthenia; Glanzmann's thrombasthenia; PLATELET GLYCOPROTEIN IIb-IIIa DEFICIENCY. Identifiers: Orphanet 849, MedGen C0040015, MONDO:0100326.

Allele frequency attached by ClinVar (database versions not stated): gnomAD exomes 0.00068 and 0.00229; gnomAD 0.00091 and 0.00104; TOPMed 0.00152; ExAC 0.00194; 1000 Genomes Project 30x 0.00250; 1000 Genomes Project 0.00260.
gnomAD v4.1: 1,139 of 1,614,120 alleles (0.071%); highest among the groups gnomAD compares: Admixed American, 1.1%; 8 homozygotes.

Submissions (7):

ClinGen Platelet Disorders Variant Curation Expert Panel, ClinGen
Classification: Benign for Glanzmann thrombasthenia. Last evaluated: 2019-08-07. Review status: reviewed by expert panel. Criteria: ClinGen Platelet ACMG Specifications v2. Collection method: curation. Allele origin: germline. Inheritance: Autosomal recessive inheritance.
Comment: The c.506G>A (p.Arg169Gln) missense variant has been reported in the literature many times as the Penb antigenic epitope. However, this polymorphism has not been reported in association with Glanzmann thrombasthenia. It is present in a Latino control population at an allele frequency of 0.01439 and functional studies in CHO cells have shown no deleterious effect on surface expression or fibrinogen binding. In summary, this variant meets criteria to be classified as benign for GT. GT-specific criteria applied: BA1, BS3.

Labcorp Genetics (formerly Invitae), Labcorp
Classification: Benign. Last evaluated: 2026-02-01. Review status: criteria provided, single submitter. Criteria: Invitae Variant Classification Sherloc (09022015). Collection method: clinical testing. Allele origin: germline. Not counted in ClinVar's aggregate classification.

Mayo Clinic Laboratories, Mayo Clinic
Classification: Likely benign. Last evaluated: 2023-10-11. Review status: criteria provided, single submitter. Criteria: ACMG Guidelines, 2015. Collection method: clinical testing. Allele origin: germline. Observed: 3 variant alleles. Not counted in ClinVar's aggregate classification.
Comment: BS1, BP6, PM1_supporting

Genetic Services Laboratory, University of Chicago
Classification: Benign. Last evaluated: 2019-04-10. Review status: criteria provided, single submitter. Criteria: ACMG Guidelines, 2015. Collection method: clinical testing. Allele origin: germline. Affected: no. Not counted in ClinVar's aggregate classification.

Illumina Laboratory Services, Illumina
Classification: Benign for Glanzmann thrombasthenia 1. Last evaluated: 2017-04-27. Review status: criteria provided, single submitter. Criteria: ICSL Variant Classification Criteria 13 December 2019. Collection method: clinical testing. Allele origin: germline. Not counted in ClinVar's aggregate classification.
Comment: This variant was observed as part of a predisposition screen in an ostensibly healthy population. A literature search was performed for the gene, cDNA change, and amino acid change (where applicable). Publications were found based on this search. The evidence from the literature, in combination with allele frequency data from public databases where available, was sufficient to rule this variant out of causing disease. Therefore, this variant is classified as benign.

Breakthrough Genomics
Classification: Benign. Review status: criteria provided, single submitter. Criteria: ACMG Guidelines, 2015. Collection method: not provided. Allele origin: germline. Inheritance: Autosomal recessive inheritance. Affected: yes. Not counted in ClinVar's aggregate classification.

OMIM
Classification: Benign for PEN(a)/PEN(b) ALLOANTIGEN POLYMORPHISM. Last evaluated: 1992-11-01. Review status: no assertion criteria provided. Collection method: literature only. Allele origin: germline. Not counted in ClinVar's aggregate classification.

Literature cited by the submitters: PubMed 9787162 (cited by ClinGen Platelet Disorders Variant Curation Expert Panel, ClinGen); PubMed 1430225 (cited by Illumina Laboratory Services, Illumina and OMIM); PubMed 14516468 (cited by Illumina Laboratory Services, Illumina); PubMed 21658138 (cited by Illumina Laboratory Services, Illumina).